The following is an entry in ClinVar:

ClinVar aggregate classification (germline): Uncertain significance (1 of 4 stars; one submission).

Conditions:
Familial adenomatous polyposis 1 (FAP1). Also called: FAMILIAL ADENOMATOUS POLYPOSIS 1, ATTENUATED; POLYPOSIS, ADENOMATOUS INTESTINAL. Identifiers: MedGen C2713442, MONDO:0021056, OMIM 175100. Disease mechanism: loss of function.

Submission:

Labcorp Genetics (formerly Invitae), Labcorp
Classification: Uncertain significance for Familial adenomatous polyposis 1. Last evaluated: 2021-09-15. Review status: criteria provided, single submitter. Criteria: Invitae Variant Classification Sherloc (09022015). Collection method: clinical testing. Allele origin: germline.
Comment: In summary, the available evidence is currently insufficient to determine the role of this variant in disease. Therefore, it has been classified as a Variant of Uncertain Significance. Algorithms developed to predict the effect of missense changes on protein structure and function (SIFT, PolyPhen-2, Align-GVGD) all suggest that this variant is likely to be disruptive. This variant has not been reported in the literature in individuals affected with APC-related conditions. This variant is not present in population databases (ExAC no frequency). This sequence change replaces serine with glycine at codon 1415 of the APC protein (p.Ser1415Gly). The serine residue is highly conserved and there is a small physicochemical difference between serine and glycine.

NM_000038.6(APC):c.4243A>G (p.Ser1415Gly)

Gene: APC (APC regulator of Wnt signaling pathway; plus strand). Cytogenetic location: 5q22.2.
Variant type: single nucleotide variant.
Coding change: c.4243A>G on transcript NM_000038.6 (MANE Select); coding-DNA position 4243, A replaced by G.
Protein change: p.Ser1415Gly; replaces serine 1415 with glycine.
Molecular consequence: missense variant.
Genome position (GRCh38, 1-based): chr5:112,839,837, A>G. VCF-style: chr5-112839837-A-G. GRCh37 (hg19) VCF-style: chr5-112175534-A-G.
Other names: c.4243A>G, p.Ser1415Gly (NM_001127510.3, NM_001354895.2); c.4189A>G, p.Ser1397Gly (NM_001127511.3); c.4297A>G, p.Ser1433Gly (NM_001354896.2); c.4273A>G, p.Ser1425Gly (NM_001354897.2); c.4168A>G, p.Ser1390Gly (NM_001354898.2); c.4159A>G, p.Ser1387Gly (NM_001354899.2); c.4120A>G, p.Ser1374Gly (NM_001354900.2); c.4066A>G, p.Ser1356Gly (NM_001354901.2); and 5 more; short protein forms S1255G, S1289G, S1356G, S1374G, S1390G, S1397G, S1415G, S1425G.
Identifiers: ClinVar variation 1479986 (VCV001479986.6), dbSNP rs876660677, ClinGen allele CA16030628.
Genomic context (GRCh38, chr5:112,839,837, plus strand): 5'-AGTTTTGAGAGTCGTTCGATTGCCAGCTCCGTTCAGAGTGAACCATGCAGTGGAATGGTA[A>G]GTGGCATTATAAGCCCCAGTGATCTTCCAGATAGCCCTGGACAAACCATGCCACCAAGCA-3'
Protein context (NP_000029.2, residues 1405-1425): VQSEPCSGMV[Ser1415Gly]GIISPSDLPD